The following is an entry in ClinVar:

NM_002941.4(ROBO1):c.526C>T (p.Pro176Ser)

Gene: ROBO1 (roundabout guidance receptor 1; minus strand). Cytogenetic location: 3p12.3.
Variant type: single nucleotide variant.
Coding change: c.526C>T on transcript NM_002941.4 (MANE Select); coding-DNA position 526, C replaced by T.
Protein change: p.Pro176Ser; replaces proline 176 with serine.
Molecular consequence: missense variant.
Genome position (GRCh38, 1-based): chr3:78,746,874, G>A on the plus strand (C>T on the coding strand, the complement: ROBO1 is on the minus strand). VCF-style: chr3-78746874-G-A. GRCh37 (hg19) VCF-style: chr3-78796024-G-A.
Other names: c.409C>T, p.Pro137Ser (NM_001145845.2, NM_133631.4); short protein forms P137S, P176S.
Identifiers: ClinVar variation 996111 (VCV000996111.2), dbSNP rs2082671645, ClinGen allele CA353680194.

ClinVar aggregate classification (germline): Likely pathogenic. Review status: criteria provided, single submitter (1 of 4 stars). 2 submissions from 2 submitters: Likely pathogenic (1). 1 of the submissions does not count toward it. Last evaluated 2021-01-09.

Conditions:
Bilateral renal agenesis. Also called: Bilateral Kidney Agenesis. Identifiers: Orphanet 1848, MedGen C1609433, MONDO:0015986, HP:0010958.
Neurooculorenal syndrome (NORS). Identifiers: MedGen C5830377, MONDO:0957210, OMIM 620305.

Submissions (2):

Institute of Human Genetics, University of Leipzig Medical Center
Classification: Likely pathogenic for Bilateral renal agenesis. Last evaluated: 2021-01-09. Review status: criteria provided, single submitter. Criteria: ACMG Guidelines, 2015. Collection method: curation. Allele origin: germline. Inheritance: Autosomal recessive inheritance. Affected: yes.
Comment: (PMID: 29194579 (rasmussen2017)). Inheritance was reported as recessive (compound-heterozygous) (paternal). The variant was reviewed according to current ACMG recommendations and classified as Uncertain Significance (criteria: PM2_Supporting, PP3_Supporting) at the variant level; the gene-disease association is currently not established in curated databases.

OMIM
Classification: Pathogenic for NEUROOCULORENAL SYNDROME. Last evaluated: 2023-04-05. Review status: no assertion criteria provided. Collection method: literature only. Allele origin: germline. Not counted in ClinVar's aggregate classification.

Literature cited by the submitters: PubMed 29194579 (cited by Institute of Human Genetics, University of Leipzig Medical Center and OMIM).